The following is an entry in ClinVar:

NM_000135.4(FANCA):c.1345G>A (p.Ala449Thr)

Gene: FANCA (FA complementation group A; minus strand). Cytogenetic location: 16q24.3.
Variant type: single nucleotide variant.
Coding change: c.1345G>A on transcript NM_000135.4 (MANE Select); coding-DNA position 1345, G replaced by A.
Protein change: p.Ala449Thr; replaces alanine 449 with threonine.
Molecular consequence: missense variant.
Genome position (GRCh38, 1-based): chr16:89,791,417, C>T on the plus strand (G>A on the coding strand, the complement: FANCA is on the minus strand). VCF-style: chr16-89791417-C-T. GRCh37 (hg19) VCF-style: chr16-89857825-C-T.
Other names: c.1345G>A, p.Ala449Thr (NM_001286167.3); short protein forms A449T.
Identifiers: ClinVar variation 838821 (VCV000838821.8), dbSNP rs2040073158, ClinGen allele CA397463686.

ClinVar aggregate classification (germline): Uncertain significance. Review status: criteria provided, multiple submitters, no conflicts (2 of 4 stars). 2 submissions from 2 submitters: Uncertain significance (2). Last evaluated 2022-03-28.

Conditions:
Fanconi anemia (FA). Also called: Fanconi's anemia. Identifiers: Orphanet 84, MedGen C0015625, MeSH D005199, MONDO:0019391.
Fanconi anemia complementation group A (FANCA). Also called: Fanconi anemia, group A; FANCA-Related Fanconi Anemia. Identifiers: Orphanet 84, MedGen C3469521, MONDO:0009215, OMIM 227650.

Allele frequency attached by ClinVar (database versions not stated): gnomAD exomes below 0.00001.
gnomAD v4.1: 3 of 1,614,056 alleles (0.00019%); highest among the groups gnomAD compares: Non-Finnish European, 0.00025%; no homozygotes.

Submissions (2):

Fulgent Genetics
Classification: Uncertain significance for Fanconi anemia complementation group A. Last evaluated: 2022-03-28. Review status: criteria provided, single submitter. Criteria: ACMG Guidelines, 2015. Collection method: clinical testing. Allele origin: unknown.

Labcorp Genetics (formerly Invitae), Labcorp
Classification: Uncertain significance for Fanconi anemia. Last evaluated: 2021-08-24. Review status: criteria provided, single submitter. Criteria: Invitae Variant Classification Sherloc (09022015). Collection method: clinical testing. Allele origin: germline.
Comment: This sequence change replaces alanine with threonine at codon 449 of the FANCA protein (p.Ala449Thr). The alanine residue is weakly conserved and there is a small physicochemical difference between alanine and threonine. This variant is not present in population databases (ExAC no frequency). This variant has not been reported in the literature in individuals affected with FANCA-related conditions. Algorithms developed to predict the effect of missense changes on protein structure and function output the following: SIFT: "Tolerated"; PolyPhen-2: "Possibly Damaging"; Align-GVGD: "Class C0". The threonine amino acid residue is found in multiple mammalian species, which suggests that this missense change does not adversely affect protein function. In summary, the available evidence is currently insufficient to determine the role of this variant in disease. Therefore, it has been classified as a Variant of Uncertain Significance.